The following is an entry in ClinVar:

ClinVar aggregate classification (germline): Conflicting classifications of pathogenicity. Review status: criteria provided, conflicting classifications (1 of 4 stars). 3 submissions from 3 submitters: Uncertain significance (1); Likely benign (1). 1 of the submissions does not count toward it. Last evaluated 2026-01-12.

Conditions:
Congenital microvillous atrophy (DIAR2). Also called: Diarrhea 2 with microvillus atrophy, with or without cholestasis; Microvillus inclusion disease; CONGENITAL FAMILIAL PROTRACTED DIARRHEA WITH ENTEROCYTE BRUSH-BORDER ABNORMALITIES; DAVIDSON DISEASE; MICROVILLUS ATROPHY, CONGENITAL. Identifiers: Orphanet 2290, MedGen C0341306, MONDO:0009635, OMIM 251850.
MYO5B-related disorder. Also called: MYO5B-related condition.

gnomAD v4.1: 29 of 1,613,890 alleles (0.0018%); highest among the groups gnomAD compares: Admixed American, 0.02%; no homozygotes.

Submissions (3):

Labcorp Genetics (formerly Invitae), Labcorp
Classification: Likely benign. Last evaluated: 2026-01-12. Review status: criteria provided, single submitter. Criteria: Invitae Variant Classification Sherloc (09022015). Collection method: clinical testing. Allele origin: germline.

Illumina Laboratory Services, Illumina
Classification: Uncertain significance for Congenital microvillous atrophy. Last evaluated: 2018-01-12. Review status: criteria provided, single submitter. Criteria: ICSL Variant Classification Criteria 13 December 2019. Collection method: clinical testing. Allele origin: germline.

PreventionGenetics, part of Exact Sciences
Classification: Likely benign for MYO5B-related condition. Last evaluated: 2021-07-13. Review status: no assertion criteria provided. Collection method: clinical testing. Allele origin: germline. Not counted in ClinVar's aggregate classification.
Comment: This variant is classified as likely benign based on ACMG/AMP sequence variant interpretation guidelines (Richards et al. 2015 PMID: 25741868, with internal and published modifications).

NM_001080467.3(MYO5B):c.996C>T (p.Ile332=)

Gene: MYO5B (myosin VB; minus strand). Cytogenetic location: 18q21.1.
Variant type: single nucleotide variant.
Coding change: c.996C>T on transcript NM_001080467.3 (MANE Select); coding-DNA position 996, C replaced by T.
Protein change: p.Ile332=; no amino-acid change (isoleucine 332 retained).
Molecular consequence: synonymous variant.
Genome position (GRCh38, 1-based): chr18:49,980,504, G>A on the plus strand (C>T on the coding strand, the complement: MYO5B is on the minus strand). VCF-style: chr18-49980504-G-A. GRCh37 (hg19) VCF-style: chr18-47506874-G-A.
Identifiers: ClinVar variation 726864 (VCV000726864.14), dbSNP rs16951352, ClinGen allele CA8961684.